The following is an entry in ClinVar:

NM_022455.5(NSD1):c.1607A>G (p.Asn536Ser)

Gene: NSD1 (nuclear receptor binding SET domain protein 1; plus strand). Cytogenetic location: 5q35.3.
Variant type: single nucleotide variant.
Coding change: c.1607A>G on transcript NM_022455.5 (MANE Select); coding-DNA position 1607, A replaced by G.
Protein change: p.Asn536Ser; replaces asparagine 536 with serine.
Molecular consequence: missense variant.
Genome position (GRCh38, 1-based): chr5:177,210,006, A>G. VCF-style: chr5-177210006-A-G. GRCh37 (hg19) VCF-style: chr5-176637007-A-G.
Other names: c.734A>G, p.Asn245Ser (NM_001365684.2, NM_001409306.1, NM_001409307.1 and 3 more transcripts); c.1607A>G, p.Asn536Ser (NM_001409301.1, NM_001409302.1, NM_001409303.1); c.1187A>G, p.Asn396Ser (NM_001409304.1); c.854A>G, p.Asn285Ser (NM_001409305.1); short protein forms N245S, N285S, N396S, N267S, N536S.
Identifiers: ClinVar variation 2159287 (VCV002159287.4), dbSNP rs1161551183, ClinGen allele CA362310496.

ClinVar aggregate classification (germline): Uncertain significance (1 of 4 stars; one submission).

Allele frequency attached by ClinVar (database versions not stated): gnomAD 0.00001; TOPMed 0.00001.
gnomAD v4.1: 1 of 1,614,066 alleles (0.000062%); highest among the groups gnomAD compares: Admixed American, 0.0017%; no homozygotes.

Submission:

Labcorp Genetics (formerly Invitae), Labcorp
Classification: Uncertain significance. Last evaluated: 2021-12-24. Review status: criteria provided, single submitter. Criteria: Invitae Variant Classification Sherloc (09022015). Collection method: clinical testing. Allele origin: germline.
Comment: This variant is not present in population databases (gnomAD no frequency). In summary, the available evidence is currently insufficient to determine the role of this variant in disease. Therefore, it has been classified as a Variant of Uncertain Significance. Advanced modeling of protein sequence and biophysical properties (such as structural, functional, and spatial information, amino acid conservation, physicochemical variation, residue mobility, and thermodynamic stability) performed at Invitae indicates that this missense variant is not expected to disrupt NSD1 protein function. This variant has not been reported in the literature in individuals affected with NSD1-related conditions. This sequence change replaces asparagine, which is neutral and polar, with serine, which is neutral and polar, at codon 536 of the NSD1 protein (p.Asn536Ser).